The following is an entry in ClinVar:

NM_000455.5(STK11):c.242A>C (p.Lys81Thr)

Gene: STK11 (serine/threonine kinase 11; plus strand). Cytogenetic location: 19p13.3.
Variant type: single nucleotide variant.
Coding change: c.242A>C on transcript NM_000455.5 (MANE Select); coding-DNA position 242, A replaced by C.
Protein change: p.Lys81Thr; replaces lysine 81 with threonine.
Molecular consequence: missense variant.
Genome position (GRCh38, 1-based): chr19:1,207,155, A>C. VCF-style: chr19-1207155-A-C. GRCh37 (hg19) VCF-style: chr19-1207154-A-C.
Other names: short protein forms K81T.
Identifiers: ClinVar variation 480725 (VCV000480725.17), dbSNP rs1555735046, ClinGen allele CA402944473.

ClinVar aggregate classification (germline): Uncertain significance. Review status: criteria provided, multiple submitters, no conflicts (2 of 4 stars). 3 submissions from 3 submitters: Uncertain significance (3). Last evaluated 2022-02-11.

Conditions:
Hereditary cancer-predisposing syndrome. Also called: Hereditary neoplastic syndrome; Neoplastic Syndromes, Hereditary; Tumor predisposition; Hereditary Cancer Syndrome. Identifiers: Orphanet 140162, MedGen C0027672, MeSH D009386, MONDO:0015356.
Peutz-Jeghers syndrome (PJS). Also called: POLYPOSIS, HAMARTOMATOUS INTESTINAL; POLYPS-AND-SPOTS SYNDROME; Peutz-Jeghers polyposis; Periorificial lentiginosis syndrome. Identifiers: Orphanet 2869, MedGen C0031269, MeSH D010580, MONDO:0008280, OMIM 175200.

Submissions (3):

Labcorp Genetics (formerly Invitae), Labcorp
Classification: Uncertain significance for Peutz-Jeghers syndrome. Last evaluated: 2022-02-11. Review status: criteria provided, single submitter. Criteria: Invitae Variant Classification Sherloc (09022015). Collection method: clinical testing. Allele origin: germline.
Comment: In summary, the available evidence is currently insufficient to determine the role of this variant in disease. Therefore, it has been classified as a Variant of Uncertain Significance. Advanced modeling of protein sequence and biophysical properties (such as structural, functional, and spatial information, amino acid conservation, physicochemical variation, residue mobility, and thermodynamic stability) performed at Invitae indicates that this missense variant is expected to disrupt STK11 protein function. ClinVar contains an entry for this variant (Variation ID: 480725). This variant has not been reported in the literature in individuals affected with STK11-related conditions. This variant is not present in population databases (gnomAD no frequency). This sequence change replaces lysine, which is basic and polar, with threonine, which is neutral and polar, at codon 81 of the STK11 protein (p.Lys81Thr).

Genome-Nilou Lab
Classification: Uncertain significance for Peutz-Jeghers syndrome. Last evaluated: 2021-07-15. Review status: criteria provided, single submitter. Criteria: ACMG Guidelines, 2015. Collection method: clinical testing. Allele origin: germline. Affected: no.

Ambry Genetics
Classification: Uncertain significance for Hereditary cancer-predisposing syndrome. Last evaluated: 2016-07-13. Review status: criteria provided, single submitter. Criteria: Ambry Variant Classification Scheme 2023. Collection method: clinical testing. Allele origin: germline.
Comment: The p.K81T variant (also known as c.242A>C), located in coding exon 1 of the STK11 gene, results from an A to C substitution at nucleotide position 242. The lysine at codon 81 is replaced by threonine, an amino acid with similar properties. This variant was not reported in population based cohorts in the following databases: Database of Single Nucleotide Polymorphisms (dbSNP), NHLBI Exome Sequencing Project (ESP), and 1000 Genomes Project. In the ESP, this variant was not observed in 6174 samples (12348 alleles) with coverage at this position. To date, this alteration has been detected with an allele frequency of approximately 0.001% (greater than 125000 alleles tested) in our clinical cohort. This amino acid position is well conserved in available vertebrate species. In addition, the in silico prediction for this alteration is inconclusive. Since supporting evidence is limited at this time, the clinical significance of this alteration remains unclear.